The following is an entry in ClinVar:

ClinVar aggregate classification (germline): Likely benign. Review status: criteria provided, multiple submitters, no conflicts (2 of 4 stars). 3 submissions from 3 submitters: Likely benign (3). Last evaluated 2026-07-13.

Conditions:
CDH23-related disorder. Also called: CDH23-related disorders; CDH23-related condition.

Allele frequency attached by ClinVar (database versions not stated): gnomAD exomes below 0.00001 and 0.00001; gnomAD 0.00001 and 0.00002; TOPMed 0.00003.
gnomAD v4.1: 23 of 1,597,346 alleles (0.0014%); highest among the groups gnomAD compares: Non-Finnish European, 0.0018%; no homozygotes.

Submissions (3):

PreventionGenetics, part of Exact Sciences
Classification: Likely benign for CDH23-related condition. Last evaluated: 2026-07-13. Review status: criteria provided, single submitter. Criteria: ACMG Guidelines, 2015. Collection method: clinical testing. Allele origin: germline.
Comment: This variant is classified as likely benign based on ACMG/AMP sequence variant interpretation guidelines (Richards et al. 2015 PMID: 25741868, with internal and published modifications).

Labcorp Genetics (formerly Invitae), Labcorp
Classification: Likely benign. Last evaluated: 2025-08-16. Review status: criteria provided, single submitter. Criteria: Invitae Variant Classification Sherloc (09022015). Collection method: clinical testing. Allele origin: germline.

Blueprint Genetics
Classification: Likely benign. Last evaluated: 2023-11-24. Review status: criteria provided, single submitter. Criteria: ACMG Guidelines, 2015. Collection method: clinical testing. Allele origin: germline.

NM_022124.6(CDH23):c.8688C>T (p.Asn2896=)

Gene: CDH23 (cadherin related 23; plus strand). Cytogenetic location: 10q22.1.
Variant type: single nucleotide variant.
Coding change: c.8688C>T on transcript NM_022124.6 (MANE Select); coding-DNA position 8688, C replaced by T.
Protein change: p.Asn2896=; no amino-acid change (asparagine 2896 retained).
Molecular consequence: synonymous variant.
Genome position (GRCh38, 1-based): chr10:71,807,973, C>T. VCF-style: chr10-71807973-C-T. GRCh37 (hg19) VCF-style: chr10-73567730-C-T.
Other names: c.1968C>T, p.Asn656= (NM_001171933.1, NM_001171934.1).
Identifiers: ClinVar variation 738906 (VCV000738906.12), dbSNP rs1049719408, ClinGen allele CA209437539.